The following is an entry in ClinVar:

NM_005430.4(WNT1):c.1060del (p.His354fs)

Gene: WNT1 (Wnt family member 1; plus strand). Cytogenetic location: 12q13.12.
Variant type: Deletion.
Coding change: c.1060del on transcript NM_005430.4 (MANE Select); coding-DNA position 1060, one base deleted (C; older notation c.1060delC).
Protein change: p.His354fs; shifts the reading frame from histidine 354.
Molecular consequence: frameshift variant.
Genome position (GRCh38, 1-based): chr12:48,981,587, C deleted; the last of 2 consecutive C bases (chr12:48,981,586-48,981,587); deleting either gives the same sequence. VCF-style (leftmost placement, unchanged base first): chr12-48981585-GC-G. GRCh37 (hg19) VCF-style: chr12-49375368-GC-G.
Other names: short protein forms H354fs.
Identifiers: ClinVar variation 873444 (VCV000873444.2), dbSNP rs1233798164, ClinGen allele CA605233430.

ClinVar aggregate classification (germline): Uncertain significance (1 of 4 stars; one submission).

Conditions:
Osteogenesis imperfecta type 15. Also called: OI, TYPE XV; WNT1-related osteogenesis imperfecta; Osteogenesis imperfecta, type xv. Identifiers: Orphanet 666, MedGen C3808844, MONDO:0014086, OMIM 615220.

Submission:

Institute of Human Genetics, University of Leipzig Medical Center
Classification: Uncertain significance for Osteogenesis imperfecta type 15. Last evaluated: 2023-09-22. Review status: criteria provided, single submitter. Criteria: ACMG Guidelines, 2015. Collection method: clinical testing. Allele origin: inherited. Inheritance: Autosomal recessive inheritance. Affected: yes.
Comment: Criteria applied: PM4,PM2_SUP,PM3_SUP